The following is an entry in ClinVar:

NM_006324.3(CFDP1):c.555A>G (p.Thr185=)

Gene: CFDP1 (chromatin remodeling protein CFDP1; minus strand). Cytogenetic location: 16q23.1.
Variant type: single nucleotide variant.
Coding change: c.555A>G on transcript NM_006324.3 (MANE Select); coding-DNA position 555, A replaced by G.
Protein change: p.Thr185=; no amino-acid change (threonine 185 retained).
Molecular consequence: synonymous variant.
Genome position (GRCh38, 1-based): chr16:75,395,185, T>C on the plus strand (A>G on the coding strand, the complement: CFDP1 is on the minus strand). VCF-style: chr16-75395185-T-C. GRCh37 (hg19) VCF-style: chr16-75429083-T-C.
Identifiers: ClinVar variation 2646876 (VCV002646876.24), dbSNP rs2507185132, ClinGen allele CA496570945.

ClinVar aggregate classification (germline): Likely benign (1 of 4 stars; one submission).

Allele frequency attached by ClinVar (database versions not stated): gnomAD exomes 0.00001.
gnomAD v4.1: 5 of 1,613,632 alleles (0.00031%); highest among the groups gnomAD compares: Middle Eastern, 0.016%; no homozygotes.

Submission:

CeGaT Center for Human Genetics Tuebingen
Classification: Likely benign. Last evaluated: 2022-07-01. Review status: criteria provided, single submitter. Criteria: CeGaT Center For Human Genetics Tuebingen Variant Classification Criteria Version 2. Collection method: clinical testing. Allele origin: germline. Affected: yes. Observed: 1 variant allele.
Comment: CFDP1: PM2:Supporting, BP4, BP7